The following is an entry in ClinVar:

ClinVar aggregate classification (germline): Uncertain significance (1 of 4 stars; one submission).

Conditions:
Intellectual disability, X-linked 102 (MRXSSB). Also called: Intellectual developmental disorder, X-linked syndromic, Snijders Blok type. Identifiers: Orphanet 457260, MedGen C5393299, MONDO:0010497, OMIM 300958.

Submission:

Institute of Human Genetics, University of Leipzig Medical Center
Classification: Uncertain significance for Intellectual disability, X-linked 102. Last evaluated: 2026-06-09. Review status: criteria provided, single submitter. Criteria: ACMG Guidelines, 2015. Collection method: clinical testing. Allele origin: de novo. Inheritance: X-linked recessive inheritance. Affected: yes.
Comment: Criteria applied: PS2_MOD,PM4_SUP,PM2

NM_001356.5(DDX3X):c.421CCA[1] (p.Pro142del)

Gene: DDX3X (DEAD-box helicase 3 X-linked; plus strand). Cytogenetic location: Xp11.4.
Variant type: Microsatellite.
Coding change: c.421CCA[1] on transcript NM_001356.5 (MANE Select); one copy of the 3-base unit CCA starting at c.421; the reference has two copies in a row; one copy, 3 bases deleted; also written c.424_426del.
Protein change: p.Pro142del; deletes proline 142.
Molecular consequence: inframe deletion. On other transcripts: 5 prime UTR variant (1), non-coding transcript variant (1).
Genome position (GRCh38, 1-based): chrX:41,342,634-41,342,636, CCA deleted; deleting any 3 consecutive bases within chrX:41,342,631-41,342,636 gives the same sequence; the position shown is the placement nearest the transcript's 3' end. VCF-style (leftmost placement, unchanged base first): chrX-41342630-CCCA-C. GRCh37 (hg19) VCF-style: chrX-41201883-CCCA-C.
Other names: c.424_426del (NM_001356.5); c.421CCA[1], p.Pro142del (NM_001193416.3); c.373CCA[1], p.Pro126del (NM_001193417.3); c.-138CCA[1] (NM_001363819.1); short protein forms P126del, P142del.
Identifiers: ClinVar variation 4879414 (VCV004879414.1).